The following is an entry in ClinVar:

ClinVar aggregate classification (germline): Uncertain significance (1 of 4 stars; one submission).

Conditions:
2-aminoadipic 2-oxoadipic aciduria (AAKAD). Also called: ALPHA-AMINOADIPIC AND ALPHA-KETOADIPIC ACIDURIA; Aminoadipic aciduria. Identifiers: Orphanet 79154, MedGen C1859817, MONDO:0008774, OMIM 204750.

Allele frequency attached by ClinVar (database versions not stated): gnomAD 0.00001; 1000 Genomes Project 0.00020; 1000 Genomes Project 30x 0.00031.
gnomAD v4.1: 4 of 1,547,880 alleles (0.00026%); highest among the groups gnomAD compares: African/African-American, 0.0014%; no homozygotes.

Submission:

Labcorp Genetics (formerly Invitae), Labcorp
Classification: Uncertain significance for 2-aminoadipic 2-oxoadipic aciduria. Last evaluated: 2023-10-30. Review status: criteria provided, single submitter. Criteria: Invitae Variant Classification Sherloc (09022015). Collection method: clinical testing. Allele origin: germline.
Comment: This sequence change replaces proline, which is neutral and non-polar, with alanine, which is neutral and non-polar, at codon 51 of the DHTKD1 protein (p.Pro51Ala). This variant is present in population databases (rs563631393, gnomAD 0.004%). This variant has not been reported in the literature in individuals affected with DHTKD1-related conditions. Advanced modeling of protein sequence and biophysical properties (such as structural, functional, and spatial information, amino acid conservation, physicochemical variation, residue mobility, and thermodynamic stability) performed at Invitae indicates that this missense variant is not expected to disrupt DHTKD1 protein function with a negative predictive value of 80%. In summary, the available evidence is currently insufficient to determine the role of this variant in disease. Therefore, it has been classified as a Variant of Uncertain Significance.

NM_018706.7(DHTKD1):c.151C>G (p.Pro51Ala)

Genes: DHTKD1 (dehydrogenase E1 and transketolase domain containing 1; plus strand), LOC130003343 (ATAC-STARR-seq lymphoblastoid silent region 2137; plus strand). Cytogenetic location: 10p14.
Variant type: single nucleotide variant.
Coding change: c.151C>G on transcript NM_018706.7 (MANE Select); coding-DNA position 151, C replaced by G.
Protein change: p.Pro51Ala; replaces proline 51 with alanine.
Molecular consequence: missense variant.
Genome position (GRCh38, 1-based): chr10:12,069,184, C>G. VCF-style: chr10-12069184-C-G. GRCh37 (hg19) VCF-style: chr10-12111183-C-G.
Other names: short protein forms P51A.
Identifiers: ClinVar variation 2792962 (VCV002792962.3), dbSNP rs563631393, ClinGen allele CA5407444.
Genomic context (GRCh38, chr10:12,069,184, plus strand): 5'-TACGGCTACCGGCCGAGGAAGCCCGAGAGCCGCGAGCCCCAGGGCGCCCTGGAGCGCCCC[C>G]CAGGTCGGGGATGGGGCCCGGGCGGTGGGAGCGGGGGCTGGGACGCAGAAGCCTCCCCTG-3'
Protein context (NP_061176.4, residues 41-61): REPQGALERP[Pro51Ala]VDHGLARLVT